The following is an entry in ClinVar:

ClinVar aggregate classification (germline): Pathogenic (1 of 4 stars; one submission).

Conditions:
Cerebral cavernous malformation (CCM). Also called: CAVERNOUS ANGIOMA, FAMILIAL; CAVERNOUS ANGIOMATOUS MALFORMATIONS; CEREBRAL CAPILLARY MALFORMATIONS; Cerebral cavernous hemangioma (type); Cavernous Hemangioma of Brain; Cerebral cavernous malformations. Identifiers: Orphanet 221061, MedGen C2919945, MONDO:0000820, OMIM 116860, HP:0033522.

Submission:

3billion
Classification: Pathogenic for Cerebral cavernous malformation. Last evaluated: 2022-01-03. Review status: criteria provided, single submitter. Criteria: ACMG Guidelines, 2015. Collection method: clinical testing. Allele origin: germline. Affected: yes. Observed: 1 heterozygote.
Comment: Frameshift: predicted to result in a loss or disruption of normal protein function through nonsense-mediated decay (NMD) or protein truncation. Multiple pathogenic variants are reported downstream of the variant (PVS1_VS). It is not observed in the gnomAD v2.1.1 dataset (PM2_M). The variant has been reported to be associated with KRIT1 related disorder (PMID:29787619).Therefore, this variant is classified as pathogenic according to the recommendation of ACMG/AMP guideline.

Literature cited by the submitters: PubMed 29787619.

NM_194454.3(KRIT1):c.1097del (p.Gly366fs)

Gene: KRIT1 (KRIT1 ankyrin repeat containing; minus strand). Cytogenetic location: 7q21.2.
Variant type: Deletion.
Coding change: c.1097del on transcript NM_194454.3 (MANE Select); coding-DNA position 1097, one base deleted (G; older notation c.1097delG).
Protein change: p.Gly366fs; shifts the reading frame from glycine 366.
Molecular consequence: frameshift variant.
Genome position (GRCh38, 1-based): chr7:92,226,575, C deleted on the plus strand (G on the coding strand, the reverse complement: KRIT1 is on the minus strand); the first of 2 consecutive C bases (chr7:92,226,575-92,226,576); deleting either gives the same sequence. VCF-style (leftmost placement, unchanged base first): chr7-92226574-TC-T. GRCh37 (hg19) VCF-style: chr7-91855888-TC-T.
Other names: c.953del, p.Gly318fs (NM_001013406.2, NM_001350669.1, NM_001350670.1); c.383del, p.Gly128fs (NM_001350671.1); c.1097del, p.Gly366fs (NM_001350672.1, NM_001350673.1, NM_001350674.1 and 26 more transcripts); short protein forms G128fs, G318fs, G366fs.
Identifiers: ClinVar variation 1333479 (VCV001333479.1), dbSNP rs2131526402, ClinGen allele CA2573052928.